The following is an entry in ClinVar:

ClinVar aggregate classification (germline): Benign. Review status: criteria provided, multiple submitters, no conflicts (2 of 4 stars). 9 submissions from 9 submitters: Benign (7). 2 of the submissions do not count toward it. Last evaluated 2026-02-04.

Conditions:
Osteogenesis imperfecta type 12 (OI12). Also called: OI, TYPE XII; Osteogenesis imperfecta, type XII. Identifiers: Orphanet 666, MedGen C3151433, MONDO:0013460, OMIM 613849.

Allele frequency attached by ClinVar (database versions not stated): gnomAD 0.90326 and 0.90783; ExAC 0.95821; gnomAD exomes 0.96322 and 0.97663; 1000 Genomes Project 30x 0.89210; 1000 Genomes Project 0.89557; TOPMed 0.89673; ESP Exome Variant Server 0.89941.
gnomAD v4.1: 1,563,455 of 1,612,252 alleles (97%); highest among the groups gnomAD compares: Non-Finnish European, 99%; 760,994 homozygotes.

Submissions (9):

Labcorp Genetics (formerly Invitae), Labcorp
Classification: Benign. Last evaluated: 2026-02-04. Review status: criteria provided, single submitter. Criteria: Invitae Variant Classification Sherloc (09022015). Collection method: clinical testing. Allele origin: germline.

Blueprint Genetics
Classification: Benign. Last evaluated: 2024-11-27. Review status: criteria provided, single submitter. Criteria: ACMG Guidelines, 2015. Collection method: clinical testing. Allele origin: germline.

Mayo Clinic Laboratories, Mayo Clinic
Classification: Benign. Last evaluated: 2022-04-26. Review status: criteria provided, single submitter. Criteria: ACMG Guidelines, 2015. Collection method: clinical testing. Allele origin: germline. Observed: 128 variant alleles.

Genome-Nilou Lab
Classification: Benign for Osteogenesis imperfecta type 12. Last evaluated: 2021-07-15. Review status: criteria provided, single submitter. Criteria: ACMG Guidelines, 2015. Collection method: clinical testing. Allele origin: germline. Affected: no.

GeneDx
Classification: Benign. Last evaluated: 2017-06-09. Review status: criteria provided, single submitter. Criteria: GeneDx Variant Classification (06012015). Collection method: clinical testing. Allele origin: germline. Affected: yes.
Comment: This variant is considered likely benign or benign based on one or more of the following criteria: it is a conservative change, it occurs at a poorly conserved position in the protein, it is predicted to be benign by multiple in silico algorithms, and/or has population frequency not consistent with disease.

Eurofins Ntd Llc (ga)
Classification: Benign. Last evaluated: 2016-01-20. Review status: criteria provided, single submitter. Criteria: EGL Classification Definitions 2015. Collection method: clinical testing. Allele origin: germline. Observed: 4 variant alleles, 4 homozygotes.

Breakthrough Genomics
Classification: Benign. Review status: criteria provided, single submitter. Criteria: ACMG Guidelines, 2015. Collection method: not provided. Allele origin: germline. Inheritance: Autosomal recessive inheritance. Affected: yes.

Genome Diagnostics Laboratory, Amsterdam University Medical Center
Classification: Benign for Osteogenesis imperfecta type 12. Last evaluated: 2014-11-19. Review status: no assertion criteria provided. Criteria: ACGS Guidelines, 2013. Collection method: clinical testing. Allele origin: germline. Affected: yes. Study: VKGL Data-share Consensus. Not counted in ClinVar's aggregate classification.

Diagnostic Laboratory, Department of Genetics, University Medical Center Groningen
Classification: Benign for Osteogenesis imperfecta type 12. Review status: no assertion criteria provided. Collection method: clinical testing. Allele origin: germline. Affected: yes. Study: VKGL Data-share Consensus. Not counted in ClinVar's aggregate classification.

NM_001173467.3(SP7):c.1098C>T (p.Ser366=)

Gene: SP7 (Sp7 transcription factor; minus strand). Cytogenetic location: 12q13.13.
Variant type: single nucleotide variant.
Coding change: c.1098C>T on transcript NM_001173467.3 (MANE Select); coding-DNA position 1098, C replaced by T.
Protein change: p.Ser366=; no amino-acid change (serine 366 retained).
Molecular consequence: synonymous variant.
Genome position (GRCh38, 1-based): chr12:53,328,344, G>A on the plus strand (C>T on the coding strand, the complement: SP7 is on the minus strand). VCF-style: chr12-53328344-G-A. GRCh37 (hg19) VCF-style: chr12-53722128-G-A.
Other names: p.Ser366=; c.1044C>T, p.Ser348= (NM_001300837.2); c.1098C>T, p.Ser366= (NM_152860.2).
Identifiers: ClinVar variation 285778 (VCV000285778.18), dbSNP rs7139272, ClinGen allele CA6599462.
Genomic context (GRCh38, chr12:53,328,344, plus strand): 5'-ACTGGGAGGGGGACCCGGGCCTGGTTCTCCATGGGTGCGCTGGTGTTTGCTCAGGTGGTC[G>A]CTTCGGGTAAAGCGCTTGGAGCAGAGCAGGCAGGTGAACTTCTTCTCCCGGGTGTGAGTG-3'
Protein context (NP_001166938.1, residues 356-376): CLLCSKRFTR[Ser366=]DHLSKHQRTH